The following is an entry in ClinVar:

NM_001614.5(ACTG1):c.377C>T (p.Thr126Ile)

Gene: ACTG1 (actin gamma 1; minus strand). Cytogenetic location: 17q25.3.
Variant type: single nucleotide variant.
Coding change: c.377C>T on transcript NM_001614.5 (MANE Select); coding-DNA position 377, C replaced by T.
Protein change: p.Thr126Ile; replaces threonine 126 with isoleucine.
Molecular consequence: missense variant. On other transcripts: non-coding transcript variant (1).
Genome position (GRCh38, 1-based): chr17:81,511,613, G>A on the plus strand (C>T on the coding strand, the complement: ACTG1 is on the minus strand). VCF-style: chr17-81511613-G-A. GRCh37 (hg19) VCF-style: chr17-79478639-G-A.
Other names: c.377C>T, p.Thr126Ile (NM_001199954.3); c.377C>T (NM_001614.3); short protein forms T126I.
Identifiers: ClinVar variation 228432 (VCV000228432.9), dbSNP rs876657740, ClinGen allele CA10577201.

ClinVar aggregate classification (germline): Uncertain significance. Review status: criteria provided, multiple submitters, no conflicts (2 of 4 stars). 3 submissions from 3 submitters: Uncertain significance (3). Last evaluated 2025-06-09.

Conditions:
Inborn genetic diseases. Identifiers: MedGen C0950123, MeSH D030342.
Autosomal dominant nonsyndromic hearing loss 20. Identifiers: Orphanet 90635, MedGen C1858172, MONDO:0011480, OMIM 604717.
Baraitser-winter syndrome 2. Identifiers: Orphanet 2995, MedGen C3281235, MONDO:0013812, OMIM 614583.

Allele frequency attached by ClinVar (database versions not stated): gnomAD exomes below 0.00001; TOPMed 0.00002.

Submissions (3):

Labcorp Genetics (formerly Invitae), Labcorp
Classification: Uncertain significance for Baraitser-winter syndrome 2; Autosomal dominant nonsyndromic hearing loss 20. Last evaluated: 2025-06-09. Review status: criteria provided, single submitter. Criteria: Invitae Variant Classification Sherloc (09022015). Collection method: clinical testing. Allele origin: germline.
Comment: This sequence change replaces threonine, which is neutral and polar, with isoleucine, which is neutral and non-polar, at codon 126 of the ACTG1 protein (p.Thr126Ile). This variant is present in population databases (no rsID available, gnomAD 0.006%). This variant has not been reported in the literature in individuals affected with ACTG1-related conditions. ClinVar contains an entry for this variant (Variation ID: 228432). Invitae Evidence Modeling of protein sequence and biophysical properties (such as structural, functional, and spatial information, amino acid conservation, physicochemical variation, residue mobility, and thermodynamic stability) indicates that this missense variant is not expected to disrupt ACTG1 protein function with a negative predictive value of 80%. In summary, the available evidence is currently insufficient to determine the role of this variant in disease. Therefore, it has been classified as a Variant of Uncertain Significance.

Ambry Genetics
Classification: Uncertain significance for Inborn genetic diseases. Last evaluated: 2021-05-20. Review status: criteria provided, single submitter. Criteria: Ambry Variant Classification Scheme 2023. Collection method: clinical testing. Allele origin: germline.

Laboratory for Molecular Medicine, Mass General Brigham Personalized Medicine
Classification: Uncertain significance. Last evaluated: 2015-02-18. Review status: criteria provided, single submitter. Criteria: LMM Criteria. Collection method: clinical testing. Allele origin: germline. Observed: 2 variant alleles.
Comment: The p.Thr126Ile variant in ACTG1 has not been previously reported in individuals with hearing loss or in large population studies. Computational prediction tool s and conservation analysis suggest that the variant may impact the protein, tho ugh this information is not predictive enough to determine pathogenicity. In sum mary, the clinical significance of the p.Thr126Ile variant is uncertain.

Literature cited by the submitters: PubMed 22366783 (cited by Laboratory for Molecular Medicine, Mass General Brigham Personalized Medicine); PubMed 16773128 (cited by Laboratory for Molecular Medicine, Mass General Brigham Personalized Medicine).